The following is an entry in ClinVar:

ClinVar aggregate classification (germline): Likely benign (1 of 4 stars; one submission).

Conditions:
Spinocerebellar ataxia type 23 (SCA23). Identifiers: Orphanet 101108, MedGen C1853250, MONDO:0012449, OMIM 610245.

Allele frequency attached by ClinVar (database versions not stated): ExAC 0.00003; gnomAD 0.00008 and 0.00009; TOPMed 0.00009; 1000 Genomes Project 30x 0.00031; 1000 Genomes Project 0.00040.
gnomAD v4.1: 19 of 1,607,982 alleles (0.0012%); highest among the groups gnomAD compares: African/African-American, 0.021%; no homozygotes.

Submission:

Illumina Laboratory Services, Illumina
Classification: Likely benign for Spinocerebellar ataxia type 23. Last evaluated: 2018-01-13. Review status: criteria provided, single submitter. Criteria: ICSL Variant Classification Criteria 13 December 2019. Collection method: clinical testing. Allele origin: germline.
Comment: This variant was observed in the ICSL laboratory as part of a predisposition screen in an ostensibly healthy population. It had not been previously curated by ICSL or reported in the Human Gene Mutation Database (HGMD: prior to June 1st, 2018), and was therefore a candidate for classification through an automated scoring system. Utilizing variant allele frequency, disease prevalence and penetrance estimates, and inheritance mode, an automated score was calculated to assess if this variant is too frequent to cause the disease. Based on the score and internal cut-off values, a variant classified as likely benign is not then subjected to further curation. The score for this variant resulted in a classification of likely benign for this disease.

NM_024411.5(PDYN):c.*33A>C

Genes: PDYN (prodynorphin; minus strand), PDYN-AS1 (PDYN antisense RNA 1; plus strand). Cytogenetic location: 20p13.
Variant type: single nucleotide variant.
Coding change: c.*33A>C on transcript NM_024411.5 (MANE Select); 33 bases downstream of the stop codon, A replaced by C.
Molecular consequence: 3 prime UTR variant.
Genome position (GRCh38, 1-based): chr20:1,980,290, T>G on the plus strand (A>C on the coding strand, the complement: PDYN is on the minus strand). VCF-style: chr20-1980290-T-G. GRCh37 (hg19) VCF-style: chr20-1960936-T-G.
Other names: c.*33A>C (NM_001190892.1, NM_001190898.3, NM_001190899.2 and 1 more transcripts).
Identifiers: ClinVar variation 896494 (VCV000896494.4), dbSNP rs556095353, ClinGen allele CA9730191.